The following is an entry in ClinVar:

NM_024009.3(GJB3):c.325C>A (p.His109Asn)

Gene: GJB3 (gap junction protein beta 3; plus strand). Cytogenetic location: 1p34.3.
Variant type: single nucleotide variant.
Coding change: c.325C>A on transcript NM_024009.3 (MANE Select); coding-DNA position 325, C replaced by A.
Protein change: p.His109Asn; replaces histidine 109 with asparagine.
Molecular consequence: missense variant.
Genome position (GRCh38, 1-based): chr1:34,785,087, C>A. VCF-style: chr1-34785087-C-A. GRCh37 (hg19) VCF-style: chr1-35250688-C-A.
Other names: c.325C>A, p.His109Asn (NM_001005752.2); short protein forms H109N.
Identifiers: ClinVar variation 1049996 (VCV001049996.1), dbSNP rs2148354286, ClinGen allele CA339313190.

ClinVar aggregate classification (germline): Uncertain significance (0 of 4 stars; one submission).

Submission:

Department of Pathology and Laboratory Medicine, Sinai Health System
Classification: Uncertain significance. Review status: no assertion criteria provided. Collection method: clinical testing. Allele origin: unknown. Affected: yes. Study: The Canadian Open Genetics Repository (COGR).
Comment: The GJB3 p.His109Asn variant was not identified in the literature nor was it identified in the dbSNP, ClinVar, Cosmic, MutDB or LOVD 3.0 databases. The variant was also not identified in the following control databases: the 1000 Genomes Project, the NHLBI GO Exome Sequencing Project, the Exome Aggregation Consortium (August 8th 2016), or the Genome Aggregation Database (Feb 27, 2017). The p.His109 residue is conserved in mammals but not in more distantly related organisms and computational analyses (PolyPhen-2, SIFT, AlignGVGD, BLOSUM, MutationTaster) do not suggest a high likelihood of impact to the protein; however, this information is not predictive enough to rule out pathogenicity. In summary, based on the above information the clinical significance of this variant cannot be determined with certainty at this time. This variant is classified as a variant of uncertain significance.